The following is an entry in ClinVar:

ClinVar aggregate classification (germline): Uncertain significance. Review status: criteria provided, multiple submitters, no conflicts (2 of 4 stars). 2 submissions from 2 submitters: Uncertain significance (2). Last evaluated 2025-12-13.

Conditions:
Hereditary cancer-predisposing syndrome. Also called: Hereditary Cancer Syndrome; Hereditary neoplastic syndrome; Neoplastic Syndromes, Hereditary; Tumor predisposition. Identifiers: Orphanet 140162, MedGen C0027672, MeSH D009386, MONDO:0015356.
Rhabdoid tumor predisposition syndrome 2 (RTPS2). Identifiers: Orphanet 231108, Orphanet 69077, MedGen C2750074, MONDO:0013224, OMIM 613325.

Allele frequency attached by ClinVar (database versions not stated): TOPMed below 0.00001.

Submissions (2):

Ambry Genetics
Classification: Uncertain significance for Hereditary cancer-predisposing syndrome. Last evaluated: 2025-12-13. Review status: criteria provided, single submitter. Criteria: Ambry Variant Classification Scheme 2023. Collection method: clinical testing. Allele origin: germline.
Comment: The p.S1602N variant (also known as c.4805G>A), located in coding exon 33 of the SMARCA4 gene, results from a G to A substitution at nucleotide position 4805. The serine at codon 1602 is replaced by asparagine, an amino acid with highly similar properties. This amino acid position is conserved. In addition, this alteration is predicted to be tolerated by in silico analysis. Based on the available evidence, the clinical significance of this variant remains unclear.

Labcorp Genetics (formerly Invitae), Labcorp
Classification: Uncertain significance for Rhabdoid tumor predisposition syndrome 2. Last evaluated: 2025-07-30. Review status: criteria provided, single submitter. Criteria: Invitae Variant Classification Sherloc (09022015). Collection method: clinical testing. Allele origin: germline.
Comment: This sequence change replaces serine, which is neutral and polar, with asparagine, which is neutral and polar, at codon 1602 of the SMARCA4 protein (p.Ser1602Asn). This variant is not present in population databases (gnomAD no frequency). This variant has not been reported in the literature in individuals affected with SMARCA4-related conditions. ClinVar contains an entry for this variant (Variation ID: 408690). Invitae Evidence Modeling of protein sequence and biophysical properties (such as structural, functional, and spatial information, amino acid conservation, physicochemical variation, residue mobility, and thermodynamic stability) indicates that this missense variant is not expected to disrupt SMARCA4 protein function with a negative predictive value of 95%. In summary, the available evidence is currently insufficient to determine the role of this variant in disease. Therefore, it has been classified as a Variant of Uncertain Significance.

NM_003072.5(SMARCA4):c.4709G>A (p.Ser1570Asn)

Gene: SMARCA4 (SWI/SNF related BAF chromatin remodeling complex subunit ATPase 4; plus strand). Cytogenetic location: 19p13.2.
Variant type: single nucleotide variant.
Coding change: c.4709G>A on transcript NM_003072.5 (MANE Select); coding-DNA position 4709, G replaced by A.
Protein change: p.Ser1570Asn; replaces serine 1570 with asparagine.
Molecular consequence: missense variant. On other transcripts: non-coding transcript variant (1).
Genome position (GRCh38, 1-based): chr19:11,059,826, G>A. VCF-style: chr19-11059826-G-A. GRCh37 (hg19) VCF-style: chr19-11170502-G-A.
Other names: c.4709G>A, p.Ser1570Asn (NM_001128844.3); c.4619G>A, p.Ser1540Asn (NM_001128845.2); c.4616G>A, p.Ser1539Asn (NM_001128846.2); c.4610G>A, p.Ser1537Asn (NM_001128847.4, NM_001374457.1); c.4607G>A, p.Ser1536Asn (NM_001128848.2); c.4805G>A, p.Ser1602Asn (NM_001128849.3, NM_001387283.1); short protein forms S1602N, S1536N, S1539N, S1540N, S1537N, S1570N.
Identifiers: ClinVar variation 408690 (VCV000408690.11), dbSNP rs966588548, ClinGen allele CA16616195.
Genomic context (GRCh38, chr19:11,059,826, plus strand): 5'-CCATCGTCTTGCAGTCGGTCTTCACCAGCGTGCGGCAGAAAATCGAGAAGGAGGATGACA[G>A]TGAAGGCGAGGAGAGTGAGGAGGAGGAAGAGGGCGAGGAGGAAGGCTCCGAATCCGAATG-3'
Protein context (NP_003063.2, residues 1560-1580): VRQKIEKEDD[Ser1570Asn]EGEESEEEEE